The following is an entry in ClinVar:

ClinVar aggregate classification (germline): Uncertain significance (1 of 4 stars; one submission).

Submission:

Ambry Genetics
Classification: Uncertain significance. Last evaluated: 2025-04-29. Review status: criteria provided, single submitter. Criteria: Ambry Variant Classification Scheme 2023. Collection method: clinical testing. Allele origin: germline.
Comment: The p.E271G variant (also known as c.812A>G), located in coding exon 4 of the GFI1 gene, results from an A to G substitution at nucleotide position 812. The glutamic acid at codon 271 is replaced by glycine, an amino acid with similar properties. This amino acid position is conserved. In addition, this alteration is predicted to be tolerated by in silico analysis. Based on the available evidence, the clinical significance of this variant remains unclear.

NM_005263.5(GFI1):c.812A>G (p.Glu271Gly)

Gene: GFI1 (growth factor independent 1 transcriptional repressor; minus strand). Cytogenetic location: 1p22.1.
Variant type: single nucleotide variant.
Coding change: c.812A>G on transcript NM_005263.5 (MANE Select); coding-DNA position 812, A replaced by G.
Protein change: p.Glu271Gly; replaces glutamic acid 271 with glycine.
Molecular consequence: missense variant.
Genome position (GRCh38, 1-based): chr1:92,480,460, T>C on the plus strand (A>G on the coding strand, the complement: GFI1 is on the minus strand). VCF-style: chr1-92480460-T-C. GRCh37 (hg19) VCF-style: chr1-92946017-T-C.
Other names: c.812A>G, p.Glu271Gly (NM_001127215.3, NM_001127216.3); short protein forms E271G.
Identifiers: ClinVar variation 4029405 (VCV004029405.1).